The following is an entry in ClinVar:

NM_000142.5(FGFR3):c.227A>G (p.Lys76Arg)

Gene: FGFR3 (fibroblast growth factor receptor 3; plus strand). Cytogenetic location: 4p16.3.
Variant type: single nucleotide variant.
Coding change: c.227A>G on transcript NM_000142.5 (MANE Select); coding-DNA position 227, A replaced by G.
Protein change: p.Lys76Arg; replaces lysine 76 with arginine.
Molecular consequence: missense variant. On other transcripts: non-coding transcript variant (1).
Genome position (GRCh38, 1-based): chr4:1,799,371, A>G. VCF-style: chr4-1799371-A-G. GRCh37 (hg19) VCF-style: chr4-1801098-A-G.
Other names: c.227A>G, p.Lys76Arg (NM_001163213.2, NM_001354809.2, NM_001354810.2 and 1 more transcripts); short protein forms K76R.
Identifiers: ClinVar variation 2814111 (VCV002814111.3), dbSNP rs2546795572, ClinGen allele CA355972699.

ClinVar aggregate classification (germline): Uncertain significance (1 of 4 stars; one submission).

Submission:

Labcorp Genetics (formerly Invitae), Labcorp
Classification: Uncertain significance. Last evaluated: 2022-11-14. Review status: criteria provided, single submitter. Criteria: Invitae Variant Classification Sherloc (09022015). Collection method: clinical testing. Allele origin: germline.
Comment: This sequence change replaces lysine, which is basic and polar, with arginine, which is basic and polar, at codon 76 of the FGFR3 protein (p.Lys76Arg). In summary, the available evidence is currently insufficient to determine the role of this variant in disease. Therefore, it has been classified as a Variant of Uncertain Significance. Advanced modeling of protein sequence and biophysical properties (such as structural, functional, and spatial information, amino acid conservation, physicochemical variation, residue mobility, and thermodynamic stability) has been performed at Invitae for this missense variant, however the output from this modeling did not meet the statistical confidence thresholds required to predict the impact of this variant on FGFR3 protein function. This variant has not been reported in the literature in individuals affected with FGFR3-related conditions. This variant is not present in population databases (gnomAD no frequency).